The following is an entry in ClinVar:

NM_001111.5(ADAR):c.391C>T (p.Gln131Ter)

Gene: ADAR (adenosine deaminase RNA specific; minus strand). Cytogenetic location: 1q21.3.
Variant type: single nucleotide variant.
Coding change: c.391C>T on transcript NM_001111.5 (MANE Select); coding-DNA position 391, C replaced by T.
Protein change: p.Gln131Ter; replaces glutamine 131 with a stop codon.
Molecular consequence: nonsense. On other transcripts: 5 prime UTR variant (3), intron variant (3).
Genome position (GRCh38, 1-based): chr1:154,602,251, G>A on the plus strand (C>T on the coding strand, the complement: ADAR is on the minus strand). VCF-style: chr1-154602251-G-A. GRCh37 (hg19) VCF-style: chr1-154574727-G-A.
Other names: c.-495C>T (NM_001025107.3, NM_001193495.2, NM_001365048.1); c.418C>T, p.Gln140Ter (NM_001365045.1); c.391C>T, p.Gln131Ter (NM_015840.4, NM_015841.4); c.-492-3C>T (NM_001365046.1, NM_001365049.1, NM_001365047.1); short protein forms Q131*, Q140*.
Identifiers: ClinVar variation 2942810 (VCV002942810.3), dbSNP rs2526666859, ClinGen allele CA342603508.

ClinVar aggregate classification (germline): Pathogenic (1 of 4 stars; one submission).

Conditions:
Symmetrical dyschromatosis of extremities (DSH). Also called: RETICULATE ACROPIGMENTATION OF DOHI; SYMMETRIC DYSCHROMATOSIS OF THE EXTREMITIES; DYSCHROMATOSIS SYMMETRICA HEREDITARIA 1; Dyschromatosis symmetrica hereditaria. Identifiers: Orphanet 41, MedGen C0406775, MONDO:0007483, OMIM 127400.
Aicardi-Goutieres syndrome 6 (AGS6). Identifiers: Orphanet 51, MedGen C3539013, MONDO:0014007, OMIM 615010.

Submission:

Labcorp Genetics (formerly Invitae), Labcorp
Classification: Pathogenic for Aicardi-Goutieres syndrome 6; Symmetrical dyschromatosis of extremities. Last evaluated: 2025-09-21. Review status: criteria provided, single submitter. Criteria: Invitae Variant Classification Sherloc (09022015). Collection method: clinical testing. Allele origin: germline.
Comment: This sequence change creates a premature translational stop signal (p.Gln131*) in the ADAR gene. It is expected to result in an absent or disrupted protein product. Loss-of-function variants in ADAR are known to be pathogenic (PMID: 22974014). This variant is not present in population databases (gnomAD no frequency). This variant has not been reported in the literature in individuals affected with ADAR-related conditions. ClinVar contains an entry for this variant (Variation ID: 2942810). For these reasons, this variant has been classified as Pathogenic.

Literature cited by the submitters: PubMed 22974014.